The following is an entry in ClinVar:

ClinVar aggregate classification (germline): Uncertain significance. Review status: criteria provided, multiple submitters, no conflicts (2 of 4 stars). 5 submissions from 5 submitters: Uncertain significance (5). Last evaluated 2025-10-12.

Conditions:
Lynch syndrome. Identifiers: Orphanet 144, MedGen C4552100, MONDO:0005835. Disease mechanism: loss of function.
Hereditary cancer-predisposing syndrome. Also called: Tumor predisposition; Hereditary neoplastic syndrome; Neoplastic Syndromes, Hereditary; Hereditary Cancer Syndrome. Identifiers: Orphanet 140162, MedGen C0027672, MeSH D009386, MONDO:0015356.
Hereditary nonpolyposis colorectal neoplasms. Identifiers: MedGen C0009405, MeSH D003123.

Allele frequency attached by ClinVar (database versions not stated): TOPMed below 0.00001; ExAC 0.00032.
gnomAD v4.1: 3 of 1,434,682 alleles (0.00021%); highest among the groups gnomAD compares: South Asian, 0.003%; no homozygotes.

Submissions (5):

Color Diagnostics, LLC DBA Color Health
Classification: Uncertain significance for Hereditary cancer-predisposing syndrome. Last evaluated: 2025-10-12. Review status: criteria provided, single submitter. Criteria: ACMG Guidelines, 2015. Collection method: clinical testing. Allele origin: germline.
Comment: This missense variant replaces alanine with threonine at codon 83 of the MSH6 protein. Computational prediction suggests that this variant may not impact protein structure and function. To our knowledge, functional studies have not been reported for this variant. This variant has not been reported in individuals affected with MSH6-related disorders in the literature. This variant has not been identified in the general population by the Genome Aggregation Database (gnomAD). The available evidence is insufficient to determine the role of this variant in disease conclusively. Therefore, this variant is classified as a Variant of Uncertain Significance.

Ambry Genetics
Classification: Uncertain significance for Hereditary cancer-predisposing syndrome. Last evaluated: 2025-05-19. Review status: criteria provided, single submitter. Criteria: Ambry Variant Classification Scheme 2023. Collection method: clinical testing. Allele origin: germline.
Comment: The p.A83T variant (also known as c.247G>A), located in coding exon 1 of the MSH6 gene, results from a G to A substitution at nucleotide position 247. The alanine at codon 83 is replaced by threonine, an amino acid with similar properties. This amino acid position is well conserved in available vertebrate species. In addition, this alteration is predicted to be tolerated by in silico analysis. Since supporting evidence is limited at this time, the clinical significance of this alteration remains unclear.

Labcorp Genetics (formerly Invitae), Labcorp
Classification: Uncertain significance for Hereditary nonpolyposis colorectal neoplasms. Last evaluated: 2024-07-15. Review status: criteria provided, single submitter. Criteria: Invitae Variant Classification Sherloc (09022015). Collection method: clinical testing. Allele origin: germline.
Comment: This sequence change replaces alanine, which is neutral and non-polar, with threonine, which is neutral and polar, at codon 83 of the MSH6 protein (p.Ala83Thr). The frequency data for this variant in the population databases is considered unreliable, as metrics indicate poor data quality at this position in the gnomAD database. This variant has not been reported in the literature in individuals affected with MSH6-related conditions. ClinVar contains an entry for this variant (Variation ID: 664593). Advanced modeling of protein sequence and biophysical properties (such as structural, functional, and spatial information, amino acid conservation, physicochemical variation, residue mobility, and thermodynamic stability) performed at Invitae indicates that this missense variant is not expected to disrupt MSH6 protein function with a negative predictive value of 95%. In summary, the available evidence is currently insufficient to determine the role of this variant in disease. Therefore, it has been classified as a Variant of Uncertain Significance.

All of Us Research Program, National Institutes of Health
Classification: Uncertain significance for Lynch syndrome. Last evaluated: 2023-06-26. Review status: criteria provided, single submitter. Criteria: ACMG Guidelines, 2015. Collection method: clinical testing. Allele origin: germline. Inheritance: Autosomal dominant inheritance. Observed: 2 variant alleles, 2 heterozygotes.
Comment: This missense variant replaces alanine with threonine at codon 83 of the MSH6 protein. Computational prediction suggests that this variant may not impact protein structure and function (internally defined REVEL score threshold <= 0.5, PMID: 27666373). To our knowledge, functional studies have not been reported for this variant. This variant has not been reported in individuals affected with MSH6-related disorders in the literature. This variant has not been identified in the general population by the Genome Aggregation Database (gnomAD). The available evidence is insufficient to determine the role of this variant in disease conclusively. Therefore, this variant is classified as a Variant of Uncertain Significance.

This study involves interpretation of variants in research participants for the purpose of population health screening. Participant phenotype was not available at the time of variant classification. Additional details can be found in publication PMID: 35346344, PMCID: PMC8962531

Women's Health and Genetics/Laboratory Corporation of America, LabCorp
Classification: Uncertain significance. Last evaluated: 2022-11-17. Review status: criteria provided, single submitter. Criteria: LabCorp Variant Classification Summary - May 2015. Collection method: clinical testing. Allele origin: germline.

NM_000179.3(MSH6):c.247G>A (p.Ala83Thr)

Genes: MSH6 (mutS homolog 6; plus strand), LOC129933707 (ATAC-STARR-seq lymphoblastoid silent region 11468; plus strand). Cytogenetic location: 2p16.3.
Variant type: single nucleotide variant.
Coding change: c.247G>A on transcript NM_000179.3 (MANE Select); coding-DNA position 247, G replaced by A.
Protein change: p.Ala83Thr; replaces alanine 83 with threonine.
Molecular consequence: missense variant. On other transcripts: 5 prime UTR variant (1), intron variant (1).
Genome position (GRCh38, 1-based): chr2:47,783,480, G>A. VCF-style: chr2-47783480-G-A. GRCh37 (hg19) VCF-style: chr2-48010619-G-A.
Other names: c.-490G>A (NM_001281493.2); c.237+10G>A (NM_001281492.2); short protein forms A83T.
Identifiers: ClinVar variation 664593 (VCV000664593.18), dbSNP rs755964436, ClinGen allele CA069104.
Genomic context (GRCh38, chr2:47,783,480, plus strand): 5'-TCCGCGTCACCGCCCAAGGCGAAGAACCTCAACGGAGGGCTGCGGAGATCGGTAGCGCCT[G>A]CTGCCCCCACCAGGTAGCGGGGTGGGGGTGGGGTCGAAGGCGGGGGCATAGCGGCGGGGC-3'
Protein context (NP_000170.1, residues 73-93): NGGLRRSVAP[Ala83Thr]APTSCDFSPG